The following is an entry in ClinVar:

ClinVar aggregate classification (germline): Pathogenic. Review status: reviewed by expert panel (3 of 4 stars). 6 submissions from 5 submitters: Pathogenic (1). 5 of the submissions do not count toward it. Last evaluated 2024-09-17.

Conditions:
Noonan syndrome 12. Identifiers: MedGen C5231432, MONDO:0032839, OMIM 618624.
Noonan syndrome (NS). Also called: Noonan's syndrome. Identifiers: Orphanet 648, MedGen C0028326, MeSH D009634, MONDO:0018997. Disease mechanism: gain of function.
Ovarian neoplasm. Also called: Ovarian Neoplasms; Ovarian tumor; Neoplasm of ovary. Identifiers: MedGen C0919267, MeSH D010051, MONDO:0021068, HP:0100615.

Submissions (6):

ClinGen RASopathy Variant Curation Expert Panel
Classification: Pathogenic for Noonan syndrome. Last evaluated: 2024-09-17. Review status: reviewed by expert panel. Criteria: ClinGen RASopathy ACMG Specifications RRAS2 V1.1.0. Collection method: curation. Allele origin: germline. Inheritance: Autosomal dominant inheritance.
Comment: The c.215A>T (p.Gln72Leu) variant in RRAS2 is a missense variant predicted to cause substitution of glutamine by leucine at amino acid 72. This variant is absent from gnomAD v2.1.1 (PM2_Supporting). The computational predictor REVEL gives a score of 0.918, which is above the threshold of 0.7, evidence that correlates with impact to RRAS2 function (PP3). This variant resides within the Switch II domain (amino acids 68 – 75) of RRAS2 that is defined as a critical functional domain by the ClinGen RASopathy VCEP (PM1). This variant has been reported in 2 probands with features of RASopathy (PS4_Supporting; PMID:31130285, 33686258). This variant has been identified as a de novo occurrence with confirmed parental relationships in 2 individuals with features of RASopathy (PS2_VeryStrong; PMID:31130285, 33686258). Pull-down assays with the Raf-Ras-binding domain (RBD, residues 1–149) of RAF1 in HEK293 cells showed increased binding of activated RAS indicating that this variant impacts protein function. Similar results were seen in an immunoblotting assay of the cell lysates expressing WT/variant RRAS2 using anti-phospho-MEK1/2 and phospho-ERK1/2 antibodies. Additionally, Zebrafish embryos injected with variant mRNA showed significantly increased ceratohyal angles compared to the uninjected controls (PMID:31130285)(PS3_Moderate). In summary, this variant meets the criteria to be classified as pathogenic for autosomal dominant RASopathy based on the ACMG/AMP criteria applied, as specified by the ClinGen RASopathy VCEP: PS2_VeryStrong, PS3_Moderate, PM1, PS4_Supporting, PM2_Supporting, PP3. (RASopathy VCEP specifications version 1.1; 9/17/2024)

Revvity Omics, Revvity
Classification: Pathogenic for Noonan syndrome 12. Last evaluated: 2020-07-07. Review status: criteria provided, single submitter. Criteria: ACMG Guidelines, 2015. Collection method: clinical testing. Allele origin: germline. Not counted in ClinVar's aggregate classification.

Baylor Genetics
Classification: Pathogenic for Noonan syndrome 12. Last evaluated: 2020-05-28. Review status: criteria provided, single submitter. Criteria: ACMG Guidelines, 2015. Collection method: clinical testing. Allele origin: de novo. Affected: yes. Not counted in ClinVar's aggregate classification.
Comment: This variant was determined to be pathogenic according to ACMG Guidelines, 2015 [PMID:25741868].

Tartaglia Lab, Genetics and Rare Diseases Research Division, Bambino Gesu' Children's Hospital
Classification: Pathogenic for Noonan Syndrome. Last evaluated: 2019-04-01. Review status: criteria provided, single submitter. Criteria: ACMG Guidelines, 2015. Collection method: research. Allele origin: de novo. Affected: yes. Not counted in ClinVar's aggregate classification.
Comment: this is a pathogenic variant associated with Noonan Syndrome

OMIM
Classification: Pathogenic for NOONAN SYNDROME 12. Last evaluated: 1994-08-02. Review status: no assertion criteria provided. Collection method: literature only. Allele origin: unknown. Not counted in ClinVar's aggregate classification.

OMIM
Classification: Pathogenic for OVARIAN CANCER, SOMATIC. Last evaluated: 1994-08-02. Review status: no assertion criteria provided. Collection method: literature only. Allele origin: somatic. Not counted in ClinVar's aggregate classification.

Literature cited by the submitters: PubMed 31130282 (cited by OMIM); PubMed 31130285 (cited by OMIM); PubMed 8052619 (cited by OMIM).

NM_012250.6(RRAS2):c.215A>T (p.Gln72Leu)

Gene: RRAS2 (RAS related 2; minus strand). Cytogenetic location: 11p15.2.
Variant type: single nucleotide variant.
Coding change: c.215A>T on transcript NM_012250.6 (MANE Select); coding-DNA position 215, A replaced by T.
Protein change: p.Gln72Leu; replaces glutamine 72 with leucine.
Molecular consequence: missense variant.
Genome position (GRCh38, 1-based): chr11:14,294,844, T>A on the plus strand (A>T on the coding strand, the complement: RRAS2 is on the minus strand). VCF-style: chr11-14294844-T-A. GRCh37 (hg19) VCF-style: chr11-14316390-T-A.
Other names: L72Q; NM_012250.6(RRAS2):c.215A>T; p.Gln72Leu; c.-17A>T (NM_001102669.3, NM_001177315.2); c.110A>T, p.Gln37Leu (NM_001177314.2); short protein forms Q37L, Q72L.
Identifiers: ClinVar variation 9447 (VCV000009447.11), dbSNP rs113954997, ClinGen allele CA120437.